The following is an entry in ClinVar:

ClinVar aggregate classification (germline): Uncertain significance (1 of 4 stars; one submission).

Conditions:
Combined immunodeficiency due to DOCK8 deficiency (HIES2). Also called: HYPER-IgE SYNDROME 2, AUTOSOMAL RECESSIVE, WITH RECURRENT INFECTIONS; DOCK8 Deficiency; HIES autosomal recessive; Hyper-IgE recurrent infection syndrome, autosomal recessive; HYPER-IgE RECURRENT INFECTION SYNDROME 2, AUTOSOMAL RECESSIVE. Identifiers: Orphanet 217390, MedGen C4722305, MONDO:0009478, OMIM 243700.

Allele frequency attached by ClinVar (database versions not stated): TOPMed below 0.00001; gnomAD exomes 0.00001; ESP Exome Variant Server 0.00008.
gnomAD v4.1: 13 of 1,608,468 alleles (0.00081%); highest among the groups gnomAD compares: Non-Finnish European, 0.0011%; no homozygotes.

Submission:

Baylor Genetics
Classification: Uncertain significance for Combined immunodeficiency due to DOCK8 deficiency. Last evaluated: 2019-03-14. Review status: criteria provided, single submitter. Criteria: ACMG Guidelines, 2015. Collection method: clinical testing. Allele origin: maternal. Affected: yes.
Comment: This variant was determined to be of uncertain significance according to ACMG Guidelines, 2015 [PMID:25741868].

NM_203447.4(DOCK8):c.53+262G>C

Genes: DOCK8-AS1 (DOCK8 antisense RNA 1; minus strand), DOCK8 (dedicator of cytokinesis 8; plus strand), LOC130001438 (ATAC-STARR-seq lymphoblastoid silent region 19723; plus strand). Cytogenetic location: 9p24.3.
Variant type: single nucleotide variant.
Coding change: c.53+262G>C on transcript NM_203447.4 (MANE Select); 262 bases into the intron after coding-DNA position 53, G replaced by C.
Molecular consequence: intron variant. On other transcripts: non-coding transcript variant (1).
Genome position (GRCh38, 1-based): chr9:215,291, G>C. VCF-style: chr9-215291-G-C. GRCh37 (hg19) VCF-style: chr9-215291-G-C.
Identifiers: ClinVar variation 1030477 (VCV001030477.1), dbSNP rs377068395, ClinGen allele CA187759027.